The following is an entry in ClinVar:

NM_007294.4(BRCA1):c.5194-9T>C

Gene: BRCA1 (BRCA1 DNA repair associated; minus strand). Cytogenetic location: 17q21.31.
Variant type: single nucleotide variant.
Coding change: c.5194-9T>C on transcript NM_007294.4 (MANE Select); 9 bases into the intron before coding-DNA position 5194, T replaced by C.
Molecular consequence: intron variant.
Genome position (GRCh38, 1-based): chr17:43,057,144, A>G on the plus strand (T>C on the coding strand, the complement: BRCA1 is on the minus strand). VCF-style: chr17-43057144-A-G. GRCh37 (hg19) VCF-style: chr17-41209161-A-G.
Other names: c.5191-9T>C (NM_001407622.1, NM_001407860.1, NM_001407611.1 and 17 more transcripts); c.5194-9T>C (NM_001407602.1, NM_001407597.1, NM_001407605.1 and 7 more transcripts); c.5257-9T>C (NM_001407585.1, NM_007300.4, NM_001407583.1 and 1 more transcripts); c.4924-9T>C (NM_001407936.1, NM_001407934.1, NM_001407935.1); c.5047-9T>C (NM_001407849.1, NM_001407845.1, NM_001407852.1 and 12 more transcripts); c.5050-9T>C (NM_001407744.1, NM_001407750.1, NM_001407732.1 and 21 more transcripts); c.1621-9T>C (NM_001408496.1, NM_001408499.1, NM_001408498.1 and 3 more transcripts); c.4927-9T>C (NM_001407929.1, NM_001407930.1, NM_001407933.1 and 4 more transcripts); and 72 more.
Identifiers: ClinVar variation 867821 (VCV000867821.3), dbSNP rs2051533572, ClinGen allele CA916081201.

Conditions:
Breast-ovarian cancer, familial, susceptibility to, 1 (BROVCA1). Also called: BRCA1 Hereditary Breast and Ovarian Cancer; OVARIAN CANCER, SUSCEPTIBILITY TO. Identifiers: Orphanet 145, MedGen C2676676, MONDO:0011450, OMIM 604370. Disease mechanism: loss of function.

Submission:

Brotman Baty Institute, University of Washington
No classification provided (evidence only). Condition: Breast-ovarian cancer, familial 1. Review status: no classification provided. Collection method: in vitro. Allele origin: not applicable. Functional consequence: functionally_normal.
ClinVar note: "not provided" was previously submitted as the classification for the variant. However, the classification appeared to be based only on an observation of functional data so it was converted to no classification on 2025-07-30.